The following is an entry in ClinVar:

NM_007294.4(BRCA1):c.4987-7A>G

Gene: BRCA1 (BRCA1 DNA repair associated; minus strand). Cytogenetic location: 17q21.31.
Variant type: single nucleotide variant.
Coding change: c.4987-7A>G on transcript NM_007294.4 (MANE Select); 7 bases into the intron before coding-DNA position 4987, A replaced by G.
Molecular consequence: intron variant.
Genome position (GRCh38, 1-based): chr17:43,067,702, T>C on the plus strand (A>G on the coding strand, the complement: BRCA1 is on the minus strand). VCF-style: chr17-43067702-T-C. GRCh37 (hg19) VCF-style: chr17-41219719-T-C.
Other names: c.1534-7A>G (NM_001408458.1, NM_001408461.1, NM_001408464.1 and 7 more transcripts); c.4096-7A>G (NM_001407967.1); c.4606-7A>G (NM_001407959.1); c.4720-7A>G (NM_001407931.1, NM_001407932.1, NM_001407928.1 and 4 more transcripts); c.4843-7A>G (NM_001407747.1, NM_001407745.1, NM_001407737.1 and 21 more transcripts); c.4603-7A>G (NM_001407962.1, NM_001407960.1); c.1174-7A>G (NM_001408512.1); c.1297-7A>G (NM_001408510.1); and 71 more.
Identifiers: ClinVar variation 868490 (VCV000868490.19), dbSNP rs1025136518, ClinGen allele CA916080172.

ClinVar aggregate classification (germline): Likely pathogenic. Review status: reviewed by expert panel (3 of 4 stars). 3 submissions from 3 submitters: Likely pathogenic (1). 2 of the submissions do not count toward it. Last evaluated 2025-08-18.

Conditions:
Hereditary breast ovarian cancer syndrome. Also called: Hereditary breast and ovarian cancer; Hereditary breast and ovarian cancer syndrome (HBOC); Breast and ovarian cancer; Hereditary breast and/or ovarian cancer syndrome; BRCA1- and BRCA2-Associated Hereditary Breast and Ovarian Cancer; Hereditary breast and ovarian cancer syndrome. Identifiers: Orphanet 145, MedGen C0677776, MeSH D061325, MONDO:0003582. Disease mechanism: loss of function.
BRCA1-related cancer predisposition. Identifiers: MedGen CN377757, MONDO:0700268.
Hereditary cancer-predisposing syndrome. Also called: Neoplastic Syndromes, Hereditary; Tumor predisposition; Hereditary Cancer Syndrome; Hereditary neoplastic syndrome. Identifiers: Orphanet 140162, MedGen C0027672, MeSH D009386, MONDO:0015356.

Submissions (4):

ClinGen ENIGMA BRCA1 and BRCA2 Variant Curation Expert Panel, ClinGen
Classification: Likely pathogenic for BRCA1-related cancer predisposition. Last evaluated: 2025-08-18. Review status: reviewed by expert panel. Criteria: CSpec BRCA1/2ACMG Rules Specifications V1.2. Collection method: curation. Allele origin: germline. Inheritance: Autosomal dominant inheritance.
Comment: The c.4987-7A>G variant is an intronic variant occurring in intron 15 of the BRCA1 gene. This variant is absent from gnomAD v2.1 (exomes only, non-cancer subset, read depth ≥25) and gnomAD v3.1 (non-cancer subset, read depth ≥25) (PM2_Supporting met). This BRCA1 intronic variant is located outside of the native donor and acceptor 1,2 splice sites, and has a SpliceAI score of 0.65, predicting an impact on splicing (score threshold ≥0.2) (PP3 met). This intronic variant has functional data from an assay that measures the effect via mRNA and protein. It was reported by one calibrated study incorporating mRNA splicing effects to exhibit protein function similar to pathogenic control variants (PMID:30209399) (PS3 met). In summary, this variant meets the criteria to be classified as a likely pathogenic variant for BRCA1-related cancer predisposition based on the ACMG/AMP criteria applied as specified by the ENIGMA BRCA1/2 VCEP (PM2_supporting, PP3, PS3).

Ambry Genetics
Classification: Likely pathogenic for Hereditary cancer-predisposing syndrome. Last evaluated: 2026-05-27. Review status: criteria provided, single submitter. Criteria: Ambry Variant Classification Scheme 2023. Collection method: clinical testing. Allele origin: germline. Not counted in ClinVar's aggregate classification.
Comment: The c.4987-7A>G intronic variant results from an A to G substitution 7 nucleotides upstream from coding exon 15 in the BRCA1 gene. This nucleotide position is well conserved in available vertebrate species. In silico splice site analysis predicts that this alteration will weaken the native splice acceptor site and may result in the creation or strengthening of a novel splice acceptor site that is predicted to a lead to a small, in frame insertion of two amino acids. One functional study found that this nucleotide substitution is non-functional in a high-throughput, genome editing, haploid cell survival assay (Findlay GM et al. Nature, 2018 10;562:217-222). This variant is considered to be rare based on population cohorts in the Genome Aggregation Database (gnomAD). Based on the majority of available evidence to date, this variant is likely to be pathogenic.

Labcorp Genetics (formerly Invitae), Labcorp
Classification: Uncertain significance for Hereditary breast ovarian cancer syndrome. Last evaluated: 2019-07-04. Review status: criteria provided, single submitter. Criteria: Invitae Variant Classification Sherloc (09022015). Collection method: clinical testing. Allele origin: germline. Not counted in ClinVar's aggregate classification.
Comment: This sequence change falls in intron 15 of the BRCA1 gene. It does not directly change the encoded amino acid sequence of the BRCA1 protein. This variant is not present in population databases (ExAC no frequency). This variant has not been reported in the literature in individuals with BRCA1-related conditions. Algorithms developed to predict the effect of sequence changes on RNA splicing suggest that this variant may disrupt the consensus splice site, but this prediction has not been confirmed by published transcriptional studies. In summary, the available evidence is currently insufficient to determine the role of this variant in disease. Therefore, it has been classified as a Variant of Uncertain Significance.

Brotman Baty Institute, University of Washington
No classification provided (evidence only). Condition: Breast-ovarian cancer, familial 1. Review status: no classification provided. Collection method: in vitro. Allele origin: not applicable. Functional consequence: functionally_abnormal. Not counted in ClinVar's aggregate classification.
ClinVar note: "not provided" was previously submitted as the classification for the variant. However, the classification appeared to be based only on an observation of functional data so it was converted to no classification on 2025-07-30.

Literature cited by the submitters: PubMed 30209399 (cited by ClinGen ENIGMA BRCA1 and BRCA2 Variant Curation Expert Panel, ClinGen and Ambry Genetics).